The following is an entry in ClinVar:

NM_001122630.2(CDKN1C):c.-10-13C>G

Gene: CDKN1C (cyclin dependent kinase inhibitor 1C; minus strand). Cytogenetic location: 11p15.4.
Variant type: single nucleotide variant.
Coding change: c.-10-13C>G on transcript NM_001122630.2 (MANE Select); 13 bases into the intron before 10 bases upstream of the start codon, C replaced by G.
Molecular consequence: intron variant. On other transcripts: missense variant (2).
Genome position (GRCh38, 1-based): chr11:2,885,479, G>C on the plus strand (C>G on the coding strand, the complement: CDKN1C is on the minus strand). VCF-style: chr11-2885479-G-C. GRCh37 (hg19) VCF-style: chr11-2906709-G-C.
Other names: c.11C>G, p.Ala4Gly (NM_000076.2, NM_001362474.2); c.-10-13C>G (NM_001362475.2, NM_001122631.2); short protein forms A4G.
Identifiers: ClinVar variation 1037367 (VCV001037367.8), dbSNP rs201368350, ClinGen allele CA216367501.

ClinVar aggregate classification (germline): Uncertain significance (1 of 4 stars; one submission).

Conditions:
Beckwith-Wiedemann syndrome (BWS). Also called: EMG SYNDROME; Exomphalos macroglossia gigantism syndrome. Identifiers: Orphanet 116, MedGen C0004903, MONDO:0007534, OMIM 130650.

Submission:

Labcorp Genetics (formerly Invitae), Labcorp
Classification: Uncertain significance for Beckwith-Wiedemann syndrome. Last evaluated: 2022-12-21. Review status: criteria provided, single submitter. Criteria: Invitae Variant Classification Sherloc (09022015). Collection method: clinical testing. Allele origin: germline.
Comment: In summary, the available evidence is currently insufficient to determine the role of this variant in disease. Therefore, it has been classified as a Variant of Uncertain Significance. Algorithms developed to predict the effect of missense changes on protein structure and function (SIFT, PolyPhen-2, Align-GVGD) all suggest that this variant is likely to be tolerated. ClinVar contains an entry for this variant (Variation ID: 1037367). This variant has not been reported in the literature in individuals affected with CDKN1C-related conditions. This variant is not present in population databases (gnomAD no frequency). This sequence change replaces alanine, which is neutral and non-polar, with glycine, which is neutral and non-polar, at codon 4 of the CDKN1C protein (p.Ala4Gly).